The following is an entry in ClinVar:

NM_005591.4(MRE11):c.139G>T (p.Ala47Ser)

Gene: MRE11 (MRE11 double strand break repair nuclease; minus strand). Cytogenetic location: 11q21.
Variant type: single nucleotide variant.
Coding change: c.139G>T on transcript NM_005591.4 (MANE Select); coding-DNA position 139, G replaced by T.
Protein change: p.Ala47Ser; replaces alanine 47 with serine.
Molecular consequence: missense variant.
Genome position (GRCh38, 1-based): chr11:94,490,847, C>A on the plus strand (G>T on the coding strand, the complement: MRE11 is on the minus strand). VCF-style: chr11-94490847-C-A. GRCh37 (hg19) VCF-style: chr11-94224013-C-A.
Other names: c.139G>T, p.Ala47Ser (NM_001330347.2, NM_005590.4); short protein forms A47S.
Identifiers: ClinVar variation 479753 (VCV000479753.5), dbSNP rs1428826563, ClinGen allele CA382380613.
Genomic context (GRCh38, chr11:94,490,847, plus strand): 5'-ACCAAGGGAATATGGTAGATAGTGCACAAATACAAACCACACTCACTTCATTTTCCTGGG[C>A]AAGTCTTAAAATTTCATCGAGTGTTACAAACGTATCATTTCCTCTGACTGCATCTTTCTC-3'
Protein context (NP_005582.1, residues 37-57): FVTLDEILRL[Ala47Ser]QENEVDFILL

ClinVar aggregate classification (germline): Uncertain significance (1 of 4 stars; one submission).

Conditions:
Hereditary cancer-predisposing syndrome. Also called: Hereditary Cancer Syndrome; Neoplastic Syndromes, Hereditary; Tumor predisposition; Hereditary neoplastic syndrome. Identifiers: Orphanet 140162, MedGen C0027672, MeSH D009386, MONDO:0015356.

Allele frequency attached by ClinVar (database versions not stated): gnomAD exomes 0.00001 and 0.00002.
gnomAD v4.1: 5 of 1,613,662 alleles (0.00031%); highest among the groups gnomAD compares: South Asian, 0.0044%; no homozygotes.

Submission:

Ambry Genetics
Classification: Uncertain significance for Hereditary cancer-predisposing syndrome. Last evaluated: 2016-06-23. Review status: criteria provided, single submitter. Criteria: Ambry Variant Classification Scheme 2023. Collection method: clinical testing. Allele origin: germline.
Comment: The p.A47S variant (also known as c.139G>T), located in coding exon 2 of the MRE11A gene, results from a G to T substitution at nucleotide position 139. The alanine at codon 47 is replaced by serine, an amino acid with similar properties. This variant was not reported in population based cohorts in the following databases: Database of Single Nucleotide Polymorphisms (dbSNP), NHLBI Exome Sequencing Project (ESP), and 1000 Genomes Project. In the ESP, this variant was not observed in 6499 samples (12998 alleles) with coverage at this position. To date, this alteration has been detected with an allele frequency of approximately 0.001% (greater than 175000 alleles tested) in our clinical cohort. This amino acid position is highly conserved in available vertebrate species. In addition, this alteration is predicted to be deleterious by in silico analysis. Since supporting evidence is limited at this time, the clinical significance of this alteration remains unclear.